The following is an entry in ClinVar:

ClinVar aggregate classification (germline): Likely pathogenic (1 of 4 stars; one submission).

Conditions:
Cortical dysplasia-focal epilepsy syndrome (PTHSL1). Also called: Pitt-Hopkins-like syndrome 1. Identifiers: Orphanet 163681, Orphanet 221150, MedGen C2750246, MONDO:0012400, OMIM 610042.

Submission:

Labcorp Genetics (formerly Invitae), Labcorp
Classification: Likely pathogenic for Cortical dysplasia-focal epilepsy syndrome. Last evaluated: 2023-05-20. Review status: criteria provided, single submitter. Criteria: Invitae Variant Classification Sherloc (09022015). Collection method: clinical testing. Allele origin: germline.
Comment: In summary, the currently available evidence indicates that the variant is pathogenic, but additional data are needed to prove that conclusively. Therefore, this variant has been classified as Likely Pathogenic. Algorithms developed to predict the effect of sequence changes on RNA splicing suggest that this variant may disrupt the consensus splice site. This variant has not been reported in the literature in individuals affected with CNTNAP2-related conditions. This variant is not present in population databases (gnomAD no frequency). This sequence change affects an acceptor splice site in intron 7 of the CNTNAP2 gene. It is expected to disrupt RNA splicing. Variants that disrupt the donor or acceptor splice site typically lead to a loss of protein function (PMID: 16199547), and loss-of-function variants in CNTNAP2 are known to be pathogenic (PMID: 19896112, 21827697, 25045150, 26843181, 27439707).

Literature cited by the submitters: PubMed 16199547; PubMed 19896112; PubMed 21827697; PubMed 25045150; PubMed 26843181; PubMed 27439707.

NM_014141.6(CNTNAP2):c.1084-2A>C

Gene: CNTNAP2 (contactin associated protein 2; plus strand). Cytogenetic location: 7q35.
Variant type: single nucleotide variant.
Coding change: c.1084-2A>C on transcript NM_014141.6 (MANE Select); the canonical splice acceptor site of the intron before coding-DNA position 1084, A replaced by C.
Molecular consequence: splice acceptor variant.
Genome position (GRCh38, 1-based): chr7:147,132,243, A>C. VCF-style: chr7-147132243-A-C. GRCh37 (hg19) VCF-style: chr7-146829335-A-C.
Identifiers: ClinVar variation 2866177 (VCV002866177.3), dbSNP rs2485922583, ClinGen allele CA369924446.
Genomic context (GRCh38, chr7:147,132,243, plus strand): 5'-GTCTGACATGGATGTTCATTTTATTCTGTGTTTTCCTCAGAGCCTGTCTTTCTATTTTAC[A>C]GGGAAATTTGAGCTTTTCTTGTGTGGAACCCTATACGGTGCCTGTCTTTTTCAACGCTAC-3'